The following is an entry in ClinVar:

ClinVar aggregate classification (germline): Uncertain significance (1 of 4 stars; one submission).

Conditions:
Hereditary cancer-predisposing syndrome. Also called: Tumor predisposition; Hereditary neoplastic syndrome; Hereditary Cancer Syndrome; Neoplastic Syndromes, Hereditary. Identifiers: Orphanet 140162, MedGen C0027672, MeSH D009386, MONDO:0015356.

Submission:

Ambry Genetics
Classification: Uncertain significance for Hereditary cancer-predisposing syndrome. Last evaluated: 2023-11-18. Review status: criteria provided, single submitter. Criteria: Ambry Variant Classification Scheme 2023. Collection method: clinical testing. Allele origin: germline.
Comment: The p.T55A variant (also known as c.163A>G), located in coding exon 3 of the XRCC2 gene, results from an A to G substitution at nucleotide position 163. The threonine at codon 55 is replaced by alanine, an amino acid with similar properties. This amino acid position is conserved. In addition, this alteration is predicted to be deleterious by in silico analysis. Since supporting evidence is limited at this time, the clinical significance of this alteration remains unclear.

NM_005431.2(XRCC2):c.163A>G (p.Thr55Ala)

Gene: XRCC2 (X-ray repair cross complementing 2; minus strand). Cytogenetic location: 7q36.1.
Variant type: single nucleotide variant.
Coding change: c.163A>G on transcript NM_005431.2 (MANE Select); coding-DNA position 163, A replaced by G.
Protein change: p.Thr55Ala; replaces threonine 55 with alanine.
Molecular consequence: missense variant.
Genome position (GRCh38, 1-based): chr7:152,649,322, T>C on the plus strand (A>G on the coding strand, the complement: XRCC2 is on the minus strand). VCF-style: chr7-152649322-T-C. GRCh37 (hg19) VCF-style: chr7-152346407-T-C.
Other names: short protein forms T55A.
Identifiers: ClinVar variation 3224663 (VCV003224663.1), dbSNP rs2485882094, ClinGen allele CA370199291.
Genomic context (GRCh38, chr7:152,649,322, plus strand): 5'-CCAGGCCACCTTCTGATTTGGGAAGTATACATCGTGCTGTTAGGTGATAAAGCATTTCTG[T>C]TTTTCCTGTTCCTTCTGGGCCATGAAATTCAAGAATATCACCTGTGTAAAATTTAAAAAT-3'
Protein context (NP_005422.1, residues 45-65): EFHGPEGTGK[Thr55Ala]EMLYHLTARC